The following is an entry in ClinVar:

NM_020247.5(COQ8A):c.1258G>A (p.Asp420Asn)

Gene: COQ8A (coenzyme Q8A; plus strand). Cytogenetic location: 1q42.13.
Variant type: single nucleotide variant.
Coding change: c.1258G>A on transcript NM_020247.5 (MANE Select); coding-DNA position 1258, G replaced by A.
Protein change: p.Asp420Asn; replaces aspartic acid 420 with asparagine.
Molecular consequence: missense variant.
Genome position (GRCh38, 1-based): chr1:226,984,095, G>A. VCF-style: chr1-226984095-G-A. GRCh37 (hg19) VCF-style: chr1-227171796-G-A.
Other names: short protein forms D420N.
Identifiers: ClinVar variation 296020 (VCV000296020.18), dbSNP rs147097934, ClinGen allele CA1425428.

ClinVar aggregate classification (germline): Conflicting classifications of pathogenicity. Review status: criteria provided, conflicting classifications (1 of 4 stars). 4 submissions from 4 submitters: Uncertain significance (2); Benign (1); Likely benign (1). Last evaluated 2025-10-19.

Conditions:
Autosomal recessive ataxia due to ubiquinone deficiency. Also called: SPINOCEREBELLAR ATAXIA, AUTOSOMAL RECESSIVE 9; Coenzyme Q10 deficiency, primary, 4. Identifiers: Orphanet 139485, MedGen C2677589, MONDO:0012784, OMIM 612016.

Allele frequency attached by ClinVar (database versions not stated): gnomAD 0.00013 and 0.00014; gnomAD exomes 0.00015 and 0.00032; ExAC 0.00026; ESP Exome Variant Server 0.00008; TOPMed 0.00012.
gnomAD v4.1: 259 of 1,613,294 alleles (0.016%); highest among the groups gnomAD compares: African/African-American, 0.0027%; no homozygotes.

Submissions (4):

Labcorp Genetics (formerly Invitae), Labcorp
Classification: Benign. Last evaluated: 2025-10-19. Review status: criteria provided, single submitter. Criteria: Invitae Variant Classification Sherloc (09022015). Collection method: clinical testing. Allele origin: germline.

Athena Diagnostics
Classification: Likely benign. Last evaluated: 2025-09-12. Review status: criteria provided, single submitter. Criteria: Athena Diagnostics Criteria. Collection method: clinical testing. Allele origin: unknown.
Comment: The frequency of this variant in the general population is higher than would generally be expected for pathogenic variants in this gene. Computational tools predict this amino acid change may be benign.

GeneDx
Classification: Uncertain significance. Last evaluated: 2021-12-17. Review status: criteria provided, single submitter. Criteria: GeneDx Variant Classification Process June 2021. Collection method: clinical testing. Allele origin: germline. Affected: yes.
Comment: Has not been previously published as pathogenic or benign to our knowledge

Illumina Laboratory Services, Illumina
Classification: Uncertain significance for Autosomal recessive ataxia due to ubiquinone deficiency. Last evaluated: 2018-01-12. Review status: criteria provided, single submitter. Criteria: ICSL Variant Classification Criteria 13 December 2019. Collection method: clinical testing. Allele origin: germline.

Literature cited by the submitters: PubMed 29255295 (cited by Athena Diagnostics); PubMed 32958805 (cited by Athena Diagnostics).